The following is an entry in ClinVar:

ClinVar aggregate classification (germline): Likely pathogenic (1 of 4 stars; one submission).

Conditions:
Hereditary cancer-predisposing syndrome. Also called: Hereditary Cancer Syndrome; Hereditary neoplastic syndrome; Neoplastic Syndromes, Hereditary; Tumor predisposition. Identifiers: Orphanet 140162, MedGen C0027672, MeSH D009386, MONDO:0015356.

Submission:

Ambry Genetics
Classification: Likely pathogenic for Hereditary cancer-predisposing syndrome. Last evaluated: 2022-08-19. Review status: criteria provided, single submitter. Criteria: Ambry Variant Classification Scheme 2023. Collection method: clinical testing. Allele origin: germline.
Comment: The c.5delG variant, located in coding exon 1 of the RAD51D gene, results from a deletion of one nucleotide at nucleotide position 5, causing a translational frameshift with a predicted alternate stop codon (p.G2Afs*15). The predicted stop codon occurs in the 5&rsquo; end of the RAD51D gene. Premature termination codons in the 5&rsquo; end of a gene have been reported to escape nonsense-mediated mRNAdecay and/or lead to re-initiation (Rivas et al. Science. 2015 May 8;348(6235):666-9; Lindeboom et al. Nat Genet. 2016 Oct;48(10):1112-8; Rhee et al. Sci Rep. 2017 May 10;7(1):1653). Direct evidence for this alteration is unavailable, however premature termination codons are typically deleterious in nature. A second in-frame methionine exists in RAD51D at amino acid position 16. However, this is predicted to be a relatively weak translation initiation site, and based on internal structural analysis, the first 15 amino acids are predicted to play an important role in protein function (Kim YM et al. Int J Biochem Cell Biol, 2011 Mar;43:416-22). This variant is considered to be rare based on population cohorts in the Genome Aggregation Database (gnomAD). Based on the majority of available evidence to date, this variant is likely to be pathogenic.

NM_002878.4(RAD51D):c.5del (p.Gly2fs)

Genes: RAD51D (RAD51 paralog D; minus strand), RAD51L3-RFFL (RAD51L3-RFFL readthrough; minus strand). Cytogenetic location: 17q12.
Variant type: Deletion.
Coding change: c.5del on transcript NM_002878.4 (MANE Select); coding-DNA position 5, one base deleted (G; older notation c.5delG).
Protein change: p.Gly2fs; shifts the reading frame from glycine 2.
Molecular consequence: frameshift variant, initiator codon variant. On other transcripts: non-coding transcript variant (2).
Genome position (GRCh38, 1-based): chr17:35,119,609, C deleted on the plus strand (G on the coding strand, the reverse complement: RAD51D is on the minus strand); the first of 3 consecutive C bases (chr17:35,119,609-35,119,611); deleting any one gives the same sequence. VCF-style (leftmost placement, unchanged base first): chr17-35119608-GC-G. GRCh37 (hg19) VCF-style: chr17-33446627-GC-G.
Other names: c.5del, p.Gly2fs (NM_001142571.2, NM_133629.3); c.5delG (NM_002878.3); short protein forms G2fs.
Identifiers: ClinVar variation 1750995 (VCV001750995.3), dbSNP rs2509189482, ClinGen allele CA2580093646.